The following is an entry in ClinVar:

ClinVar aggregate classification (germline): Likely benign (1 of 4 stars; one submission).

gnomAD v4.1: 1,247 of 1,614,002 alleles (0.077%); highest among the groups gnomAD compares: Non-Finnish European, 0.1%; 2 homozygotes.

Submission:

CeGaT Center for Human Genetics Tuebingen
Classification: Likely benign. Last evaluated: 2025-12-01. Review status: criteria provided, single submitter. Criteria: CeGaT Center For Human Genetics Tuebingen Variant Classification Criteria Version 2. Collection method: clinical testing. Allele origin: germline. Affected: yes. Observed: 2 variant alleles.
Comment: NFASC: BP4, BP7

NM_001005388.3(NFASC):c.3381C>A (p.Ile1127=)

Gene: NFASC (neurofascin; plus strand). Cytogenetic location: 1q32.1.
Variant type: single nucleotide variant.
Coding change: c.3381C>A on transcript NM_001005388.3 (MANE Select); coding-DNA position 3381, C replaced by A.
Protein change: p.Ile1127=; no amino-acid change (isoleucine 1127 retained).
Molecular consequence: synonymous variant.
Genome position (GRCh38, 1-based): chr1:205,009,648, C>A. VCF-style: chr1-205009648-C-A. GRCh37 (hg19) VCF-style: chr1-204978776-C-A.
Other names: c.3228C>A, p.Ile1076= (NM_001160331.2); c.3183C>A, p.Ile1061= (NM_001160332.2); c.2847C>A, p.Ile949= (NM_001365986.1); c.3702C>A, p.Ile1234= (NM_001378329.1); c.3168C>A, p.Ile1056= (NM_015090.4).
Identifiers: ClinVar variation 3341613 (VCV003341613.16).